The following is an entry in ClinVar:

ClinVar aggregate classification (germline): Conflicting classifications of pathogenicity. Review status: criteria provided, conflicting classifications (1 of 4 stars). 2 submissions from 2 submitters: Uncertain significance (1); Likely benign (1). Last evaluated 2023-03-23.

Conditions:
Hereditary cancer-predisposing syndrome. Also called: Neoplastic Syndromes, Hereditary; Hereditary Cancer Syndrome; Hereditary neoplastic syndrome; Tumor predisposition. Identifiers: Orphanet 140162, MedGen C0027672, MeSH D009386, MONDO:0015356.
Hereditary breast ovarian cancer syndrome. Also called: Hereditary breast and/or ovarian cancer syndrome; BRCA1- and BRCA2-Associated Hereditary Breast and Ovarian Cancer; Hereditary breast and ovarian cancer syndrome; Hereditary breast and ovarian cancer; Hereditary breast and ovarian cancer syndrome (HBOC); Breast and ovarian cancer. Identifiers: Orphanet 145, MedGen C0677776, MeSH D061325, MONDO:0003582. Disease mechanism: loss of function.

Submissions (2):

University of Washington Department of Laboratory Medicine, University of Washington
Classification: Likely benign for Hereditary cancer-predisposing syndrome. Last evaluated: 2023-03-23. Review status: criteria provided, single submitter. Criteria: Dines et al. (Genet Med. 2020). Collection method: curation. Allele origin: germline.
Comment: Missense variant in a coldspot region where missense variants are very unlikely to be pathogenic (PMID:31911673).

BRCA2 exon 11 coldspot. Reclassification based on statistical prior probability.

Labcorp Genetics (formerly Invitae), Labcorp
Classification: Uncertain significance for Hereditary breast ovarian cancer syndrome. Last evaluated: 2021-04-05. Review status: criteria provided, single submitter. Criteria: Invitae Variant Classification Sherloc (09022015). Collection method: clinical testing. Allele origin: germline.
Comment: In summary, the available evidence is currently insufficient to determine the role of this variant in disease. Therefore, it has been classified as a Variant of Uncertain Significance. Advanced modeling of protein sequence and biophysical properties (such as structural, functional, and spatial information, amino acid conservation, physicochemical variation, residue mobility, and thermodynamic stability) performed at Invitae indicates that this missense variant is not expected to disrupt BRCA2 protein function. This variant has not been reported in the literature in individuals with BRCA2-related conditions. This variant is not present in population databases (ExAC no frequency). This sequence change replaces asparagine with histidine at codon 856 of the BRCA2 protein (p.Asn856His). The asparagine residue is weakly conserved and there is a small physicochemical difference between asparagine and histidine.

NM_000059.4(BRCA2):c.2566A>C (p.Asn856His)

Gene: BRCA2 (BRCA2 DNA repair associated; plus strand). Cytogenetic location: 13q13.1.
Variant type: single nucleotide variant.
Coding change: c.2566A>C on transcript NM_000059.4 (MANE Select); coding-DNA position 2566, A replaced by C.
Protein change: p.Asn856His; replaces asparagine 856 with histidine.
Molecular consequence: missense variant.
Genome position (GRCh38, 1-based): chr13:32,336,921, A>C. VCF-style: chr13-32336921-A-C. GRCh37 (hg19) VCF-style: chr13-32911058-A-C.
Other names: short protein forms N856H.
Identifiers: ClinVar variation 1419368 (VCV001419368.9), dbSNP rs2137487755, ClinGen allele CA387772557.
Genomic context (GRCh38, chr13:32,336,921, plus strand): 5'-CCTGAAAAATACATGAGAGTAGCATCACCTTCAAGAAAGGTACAATTCAACCAAAACACA[A>C]ATCTAAGAGTAATCCAAAAAAATCAAGAAGAAACTACTTCAATTTCAAAAATAACTGTCA-3'
Protein context (NP_000050.3, residues 846-866): SRKVQFNQNT[Asn856His]LRVIQKNQEE